The following is an entry in ClinVar:

NM_000017.4(ACADS):c.859C>T (p.Leu287Phe)

Gene: ACADS (acyl-CoA dehydrogenase short chain; plus strand). Cytogenetic location: 12q24.31.
Variant type: single nucleotide variant.
Coding change: c.859C>T on transcript NM_000017.4 (MANE Select); coding-DNA position 859, C replaced by T.
Protein change: p.Leu287Phe; replaces leucine 287 with phenylalanine.
Molecular consequence: missense variant.
Genome position (GRCh38, 1-based): chr12:120,738,596, C>T. VCF-style: chr12-120738596-C-T. GRCh37 (hg19) VCF-style: chr12-121176399-C-T.
Other names: c.847C>T, p.Leu283Phe (NM_001302554.2); short protein forms L287F, L283F.
Identifiers: ClinVar variation 529844 (VCV000529844.8), dbSNP rs1373305585, ClinGen allele CA386601236.

ClinVar aggregate classification (germline): Uncertain significance (1 of 4 stars; one submission).

Conditions:
Deficiency of butyryl-CoA dehydrogenase (ACADSD). Also called: SCAD DEFICIENCY, MILD; ACYL-CoA DEHYDROGENASE, SHORT-CHAIN, DEFICIENCY OF; SCADH DEFICIENCY; SCAD Deficiency; ACADS DEFICIENCY; Short-Chain Acyl-CoA Dehydrogenase Deficiency. Identifiers: Orphanet 26792, MedGen C0342783, MONDO:0008722, OMIM 201470. Disease mechanism: May be benign.

Submission:

Labcorp Genetics (formerly Invitae), Labcorp
Classification: Uncertain significance for Deficiency of butyryl-CoA dehydrogenase. Last evaluated: 2017-12-29. Review status: criteria provided, single submitter. Criteria: Invitae Variant Classification Sherloc (09022015). Collection method: clinical testing. Allele origin: germline.
Comment: Algorithms developed to predict the effect of missense changes on protein structure and function do not agree on the potential impact of this missense change (SIFT: "Deleterious"; PolyPhen-2: "Probably Damaging"; Align-GVGD: "Class C15"). In summary, the available evidence is currently insufficient to determine the role of this variant in disease. Therefore, it has been classified as a Variant of Uncertain Significance. This variant has not been reported in the literature in individuals with ACADS-related disease. This variant is not present in population databases (ExAC no frequency). This sequence change replaces leucine with phenylalanine at codon 287 of the ACADS protein (p.Leu287Phe). The leucine residue is highly conserved and there is a small physicochemical difference between leucine and phenylalanine.